The following is an entry in ClinVar:

NM_006516.4(SLC2A1):c.478C>T (p.His160Tyr)

Gene: SLC2A1 (solute carrier family 2 member 1; minus strand). Cytogenetic location: 1p34.2.
Variant type: single nucleotide variant.
Coding change: c.478C>T on transcript NM_006516.4 (MANE Select); coding-DNA position 478, C replaced by T.
Protein change: p.His160Tyr; replaces histidine 160 with tyrosine.
Molecular consequence: missense variant.
Genome position (GRCh38, 1-based): chr1:42,930,664, G>A on the plus strand (C>T on the coding strand, the complement: SLC2A1 is on the minus strand). VCF-style: chr1-42930664-G-A. GRCh37 (hg19) VCF-style: chr1-43396335-G-A.
Other names: short protein forms H160Y.
Identifiers: ClinVar variation 838108 (VCV000838108.3), dbSNP rs1472329184, ClinGen allele CA339960460.

ClinVar aggregate classification (germline): Uncertain significance (1 of 4 stars; one submission).

Conditions:
GLUT1 deficiency syndrome 1, autosomal recessive. Identifiers: MedGen C3149117.

Submission:

Labcorp Genetics (formerly Invitae), Labcorp
Classification: Uncertain significance for GLUT1 deficiency syndrome 1, autosomal recessive. Last evaluated: 2024-11-13. Review status: criteria provided, single submitter. Criteria: Invitae Variant Classification Sherloc (09022015). Collection method: clinical testing. Allele origin: germline.
Comment: This sequence change replaces histidine, which is basic and polar, with tyrosine, which is neutral and polar, at codon 160 of the SLC2A1 protein (p.His160Tyr). This variant is not present in population databases (gnomAD no frequency). This variant has not been reported in the literature in individuals affected with SLC2A1-related conditions. ClinVar contains an entry for this variant (Variation ID: 838108). Invitae Evidence Modeling of protein sequence and biophysical properties (such as structural, functional, and spatial information, amino acid conservation, physicochemical variation, residue mobility, and thermodynamic stability) has been performed for this missense variant. However, the output from this modeling did not meet the statistical confidence thresholds required to predict the impact of this variant on SLC2A1 protein function. In summary, the available evidence is currently insufficient to determine the role of this variant in disease. Therefore, it has been classified as a Variant of Uncertain Significance.